The following is an entry in ClinVar:

ClinVar aggregate classification (germline): Uncertain significance (1 of 4 stars; one submission).

Submission:

GeneDx
Classification: Uncertain significance. Last evaluated: 2026-03-25. Review status: criteria provided, single submitter. Criteria: GeneDx Variant Classification Process June 2021. Collection method: clinical testing. Allele origin: germline.
Comment: Not observed at significant frequency in large population cohorts (gnomAD); Located in a region that tolerates variation and lacks pathogenic variants; Has not been previously published as pathogenic or benign to our knowledge; Located in a regulatory region; in the absence of functional studies, the actual effect of this sequence change is unknown

NM_018127.7(ELAC2):c.-5_-2dup

Gene: ELAC2 (elaC ribonuclease Z 2; minus strand). Cytogenetic location: 17p12.
Variant type: Duplication.
Coding change: c.-5_-2dup on transcript NM_018127.7 (MANE Select); 5 bases upstream of the start codon through 2 bases upstream of the start codon, 4 bases duplicated (GGCG; older notation c.-5_-2dupGGCG).
Molecular consequence: 5 prime UTR variant.
Genome position (GRCh38, 1-based): chr17:13,017,949-13,017,952, CGCC duplicated on the plus strand (GGCG on the coding strand, the reverse complement: ELAC2 is on the minus strand); duplicating any 4 consecutive bases within chr17:13,017,949-13,017,954 gives the same sequence; the c. name uses the placement nearest the transcript's 3' end. VCF-style (leftmost placement, unchanged base first): chr17-13017948-G-GCGCC. GRCh37 (hg19) VCF-style: chr17-12921265-G-GCGCC.
Other names: c.-5_-2dup (NM_001165962.2, NM_173717.2).
Identifiers: ClinVar variation 5016935 (VCV005016935.1).